The following is an entry in ClinVar:

ClinVar aggregate classification (germline): Pathogenic/Likely pathogenic. Review status: criteria provided, multiple submitters, no conflicts (2 of 4 stars). 2 submissions from 2 submitters: Pathogenic (1); Likely pathogenic (1). Last evaluated 2026-09-08.

Conditions:
Fabry disease. Also called: Ceramide trihexosidosis; GLA DEFICIENCY; HEREDITARY DYSTOPIC LIPIDOSIS; Angiokeratoma corporis diffusum; Fabry's disease; ALPHA-GALACTOSIDASE A DEFICIENCY. Identifiers: Orphanet 324, MedGen C0002986, MONDO:0010526, OMIM 301500, HP:0001071. Disease mechanism: Fabry disease is due to inactivating mutations in the X-linked GLA gene resulting in deficiency of the enzyme Alpha Galactosidase-A., loss of function.

Submissions (2):

Genomenon, Inc
Classification: Likely pathogenic for Fabry disease. Last evaluated: 2026-09-08. Review status: criteria provided, single submitter. Criteria: Genomenon Sequence Variant Interpretation Standards - Updated. Collection method: curation. Allele origin: germline. Affected: yes.
Comment: GLA p.Asn263Ser (c.788A>G) is a missense variant that changes the amino acid at codon 263 from Asparagine to Serine. This variant has been observed in at least one proband with clinical features consistent with Fabry disease (PMID:32843101;29543226;11179018;38947680;9100224;29853467). Functional or patient cell studies have been reported (PMID:36345359;32023956;21598360;29543226;38947680;19387866;34205365;27657681). This variant is located in a mutational hotspot and/or important functional domain. It is absent or not present at a significant frequency in gnomAD. In silico models predict that this variant is possibly or probably damaging. In conclusion, we classify GLA p.Asn263Ser (c.788A>G) as a likely pathogenic variant.

Revvity Omics, Revvity
Classification: Pathogenic. Last evaluated: 2019-09-24. Review status: criteria provided, single submitter. Criteria: ACMG Guidelines, 2015. Collection method: clinical testing. Allele origin: germline.

Literature cited by the submitters: PubMed 32843101 (cited by Genomenon, Inc); PubMed 29543226 (cited by Genomenon, Inc); PubMed 11179018 (cited by Genomenon, Inc); PubMed 38947680 (cited by Genomenon, Inc); PubMed 9100224 (cited by Genomenon, Inc); PubMed 29853467 (cited by Genomenon, Inc); PubMed 36345359 (cited by Genomenon, Inc); PubMed 32023956 (cited by Genomenon, Inc); PubMed 21598360 (cited by Genomenon, Inc); PubMed 19387866 (cited by Genomenon, Inc); PubMed 34205365 (cited by Genomenon, Inc); PubMed 27657681 (cited by Genomenon, Inc).

NM_000169.3(GLA):c.788A>G (p.Asn263Ser)

Genes: GLA (galactosidase alpha; minus strand), RPL36A-HNRNPH2 (RPL36A-HNRNPH2 readthrough; plus strand). Cytogenetic location: Xq22.1.
Variant type: single nucleotide variant.
Coding change: c.788A>G on transcript NM_000169.3 (MANE Select); coding-DNA position 788, A replaced by G.
Protein change: p.Asn263Ser; replaces asparagine 263 with serine.
Molecular consequence: missense variant. On other transcripts: non-coding transcript variant (3), intron variant (2).
Genome position (GRCh38, 1-based): chrX:101,398,798, T>C on the plus strand (A>G on the coding strand, the complement: GLA is on the minus strand). VCF-style: chrX-101398798-T-C. GRCh37 (hg19) VCF-style: chrX-100653786-T-C.
Other names: c.911A>G, p.Asn304Ser (NM_001406747.1); c.788A>G, p.Asn263Ser (NM_001406748.1); c.300+3341T>C (NM_001199973.2); c.177+6976T>C (NM_001199974.2); short protein forms N263S, N304S.
Identifiers: ClinVar variation 1323001 (VCV001323001.6), dbSNP rs869312404, ClinGen allele CA352472.